The following is an entry in ClinVar:

NC_000016.9:g.(?_89857801)_(89881031_?)del

Gene: FANCA (FA complementation group A; minus strand). Cytogenetic location: 16q24.3.
Variant type: Deletion.
Identifiers: ClinVar variation 1066576 (VCV001066576.7).

ClinVar aggregate classification (germline): Likely pathogenic (1 of 4 stars; one submission).

Conditions:
Fanconi anemia (FA). Also called: Fanconi's anemia. Identifiers: Orphanet 84, MedGen C0015625, MeSH D005199, MONDO:0019391.

Submission:

Labcorp Genetics (formerly Invitae), Labcorp
Classification: Likely pathogenic for Fanconi anemia. Last evaluated: 2020-06-16. Review status: criteria provided, single submitter. Criteria: Invitae Variant Classification Sherloc (09022015). Collection method: clinical testing. Allele origin: germline.
Comment: This variant has not been reported in the literature in individuals with FANCA-related conditions. This variant disrupts the p.Arg435 amino acid residue in FANCA. Other variant(s) that disrupt this residue have been determined to be pathogenic (PMID: 28102861, 15523645, 19367192). This suggests that this residue is clinically significant, and that variants that disrupt this residue are likely to be disease-causing. In summary, the currently available evidence indicates that the variant is pathogenic, but additional data are needed to prove that conclusively. Therefore, this variant has been classified as Likely Pathogenic. This variant is an in-frame deletion of the genomic region encompassing exon(s) 3-14 of the FANCA gene. It preserves the integrity of the reading frame.

Literature cited by the submitters: PubMed 28102861; PubMed 15523645; PubMed 19367192.